The following is an entry in ClinVar:

NM_002734.5(PRKAR1A):c.1082C>A (p.Pro361Gln)

Gene: PRKAR1A (protein kinase cAMP-dependent type I regulatory subunit alpha; plus strand). Cytogenetic location: 17q24.2.
Variant type: single nucleotide variant.
Coding change: c.1082C>A on transcript NM_002734.5 (MANE Select); coding-DNA position 1082, C replaced by A.
Protein change: p.Pro361Gln; replaces proline 361 with glutamine.
Molecular consequence: missense variant. On other transcripts: intron variant (1).
Genome position (GRCh38, 1-based): chr17:68,530,385, C>A. VCF-style: chr17-68530385-C-A. GRCh37 (hg19) VCF-style: chr17-66526526-C-A.
Other names: c.1082C>A, p.Pro361Gln (NM_001278433.2, NM_001369389.1, NM_001369390.1 and 3 more transcripts); c.973+384C>A (NM_001276290.1); short protein forms P361Q.
Identifiers: ClinVar variation 3938093 (VCV003938093.1).

ClinVar aggregate classification (germline): Uncertain significance (1 of 4 stars; one submission).

Conditions:
Hereditary cancer-predisposing syndrome. Also called: Tumor predisposition; Hereditary neoplastic syndrome; Hereditary Cancer Syndrome; Neoplastic Syndromes, Hereditary. Identifiers: Orphanet 140162, MedGen C0027672, MeSH D009386, MONDO:0015356.

Submission:

Ambry Genetics
Classification: Uncertain significance for Hereditary cancer-predisposing syndrome. Last evaluated: 2025-04-14. Review status: criteria provided, single submitter. Criteria: Ambry Variant Classification Scheme 2023. Collection method: clinical testing. Allele origin: germline.
Comment: The p.P361Q variant (also known as c.1082C>A), located in coding exon 10 of the PRKAR1A gene, results from a C to A substitution at nucleotide position 1082. The proline at codon 361 is replaced by glutamine, an amino acid with similar properties. This amino acid position is conserved. In addition, this alteration is predicted to be deleterious by in silico analysis. Based on the available evidence, the clinical significance of this variant remains unclear.